The following is an entry in ClinVar:

NM_012193.4(FZD4):c.288del (p.Phe97fs)

Genes: FZD4 (frizzled class receptor 4; minus strand), PRSS23 (serine protease 23; plus strand). Cytogenetic location: 11q14.2.
Variant type: Deletion.
Coding change: c.288del on transcript NM_012193.4 (MANE Select); coding-DNA position 288, one base deleted (C; older notation c.288delC).
Protein change: p.Phe97fs; shifts the reading frame from phenylalanine 97.
Molecular consequence: frameshift variant. On other transcripts: non-coding transcript variant (2).
Genome position (GRCh38, 1-based): chr11:86,952,468, G deleted on the plus strand (C on the coding strand, the reverse complement: FZD4 is on the minus strand). VCF-style (leftmost placement, unchanged base first): chr11-86952467-AG-A. GRCh37 (hg19) VCF-style: chr11-86663509-AG-A.
Other names: c.288delC (NM_012193.3); c.288del (NM_012193.3); short protein forms F97fs.
Identifiers: ClinVar variation 265159 (VCV000265159.3), dbSNP rs886039372, ClinGen allele CA10588537.
Genomic context (GRCh38, chr11:86,952,467, plus strand): 5'-ATGGGCCAATGGGGATGTTGATCTTCTCTGTGCACATTGGCACATAAACAGAACAAAGGA[AG>A]AACTGGAAAAGTAACAAAATGAACACACACAAAAAAAACAATGACTTGGAAGTTTGACCA-3'

ClinVar aggregate classification (germline): Likely pathogenic (1 of 4 stars; one submission).

Submission:

GeneDx
Classification: Likely pathogenic. Last evaluated: 2024-12-23. Review status: criteria provided, single submitter. Criteria: GeneDx Variant Classification Process June 2021. Collection method: clinical testing. Allele origin: germline. Affected: yes.
Comment: Identified in patients with FZD4-related exudative vitreoretinopathy referred for genetic testing at GeneDx and in published literature (PMID: 25390515); Frameshift variant predicted to result in abnormal protein length as the last 441 amino acids are replaced with 35 different amino acids, and other similar variants have been reported in HGMD; Not observed at significant frequency in large population cohorts (gnomAD); This variant is associated with the following publications: (PMID: 25390515)